The following is an entry in ClinVar:

NM_021930.6(RINT1):c.2187-3C>T

Genes: EFCAB10 (EF-hand calcium binding domain 10; minus strand), RINT1 (RAD50 interactor 1; plus strand). Cytogenetic location: 7q22.3.
Variant type: single nucleotide variant.
Coding change: c.2187-3C>T on transcript NM_021930.6 (MANE Select); 3 bases into the intron before coding-DNA position 2187, C replaced by T.
Molecular consequence: intron variant. On other transcripts: 3 prime UTR variant (2).
Genome position (GRCh38, 1-based): chr7:105,567,116, C>T. VCF-style: chr7-105567116-C-T. GRCh37 (hg19) VCF-style: chr7-105207563-C-T.
Other names: c.*338G>A (NM_001355527.2, NM_001355529.2); c.1164-3C>T (NM_001346600.2, NM_001346603.2); c.1263-3C>T (NM_001346601.2); c.1953-3C>T (NM_001346599.2); c.360-1669G>A (NM_001355531.2); c.383+351G>A (NM_001355526.2, NM_001355530.2).
Identifiers: ClinVar variation 1319655 (VCV001319655.8), dbSNP rs2133495282, ClinGen allele CA2573052782.

ClinVar aggregate classification (germline): Uncertain significance. Review status: criteria provided, multiple submitters, no conflicts (2 of 4 stars). 3 submissions from 3 submitters: Uncertain significance (3). Last evaluated 2024-04-12.

Allele frequency attached by ClinVar (database versions not stated): gnomAD exomes below 0.00001.
gnomAD v4.1: 1 of 1,523,528 alleles (0.000066%); highest among the groups gnomAD compares: Non-Finnish European, 0.000088%; no homozygotes.

Submissions (3):

Ambry Genetics
Classification: Uncertain significance. Last evaluated: 2024-04-12. Review status: criteria provided, single submitter. Criteria: Ambry Variant Classification Scheme 2023. Collection method: clinical testing. Allele origin: germline.
Comment: The c.2187-3C>T intronic variant results from a C to T substitution 3 nucleotides upstream from coding exon 15 in the RINT1 gene. This nucleotide position is not well conserved in available vertebrate species. In silico splice site analysis predicts that this alteration will not have any significant effect on splicing. The evidence for this gene-disease relationship is limited; therefore, the clinical significance of this alteration is unclear.

Labcorp Genetics (formerly Invitae), Labcorp
Classification: Uncertain significance. Last evaluated: 2022-03-10. Review status: criteria provided, single submitter. Criteria: Invitae Variant Classification Sherloc (09022015). Collection method: clinical testing. Allele origin: germline.
Comment: In summary, the available evidence is currently insufficient to determine the role of this variant in disease. Therefore, it has been classified as a Variant of Uncertain Significance. Variants that disrupt the consensus splice site are a relatively common cause of aberrant splicing (PMID: 17576681, 9536098). Algorithms developed to predict the effect of sequence changes on RNA splicing suggest that this variant is not likely to affect RNA splicing. ClinVar contains an entry for this variant (Variation ID: 1319655). This variant has not been reported in the literature in individuals affected with RINT1-related conditions. This variant is not present in population databases (gnomAD no frequency). This sequence change falls in intron 14 of the RINT1 gene. It does not directly change the encoded amino acid sequence of the RINT1 protein. It affects a nucleotide within the consensus splice site.

Institute for Clinical Genetics, University Hospital TU Dresden, University Hospital TU Dresden
Classification: Uncertain significance. Last evaluated: 2021-11-03. Review status: criteria provided, single submitter. Criteria: ACMG Guidelines, 2015. Collection method: clinical testing. Allele origin: germline.

Literature cited by the submitters: PubMed 17576681 (cited by Labcorp Genetics (formerly Invitae), Labcorp); PubMed 9536098 (cited by Labcorp Genetics (formerly Invitae), Labcorp).